The following is an entry in ClinVar:

ClinVar aggregate classification (germline): Pathogenic. Review status: criteria provided, multiple submitters, no conflicts (2 of 4 stars). 5 submissions from 5 submitters: Pathogenic (4). 1 of the submissions does not count toward it. Last evaluated 2025-07-10.

Conditions:
TYR-related disorder. Also called: TYR-related condition.
Abnormality of the eye. Identifiers: MedGen C4316870, HP:0000478.
SKIN/HAIR/EYE PIGMENTATION 3, LIGHT/DARK SKIN (SHEP3). Also called: SKIN/HAIR/EYE PIGMENTATION, VARIATION IN, 3; SKIN/HAIR/EYE PIGMENTATION 3, BLUE/GREEN EYE COLOR; SKIN/HAIR/EYE PIGMENTATION 3, FRECKLING; EYE COLOR 1; EYE COLOR, GREEN/BLUE. Identifiers: MedGen C2677190, OMIM 601800.
Oculocutaneous albinism type 1A (OCA1A). Also called: Albinism, oculocutaneous, type IA. Identifiers: Orphanet 352731, Orphanet 79431, MedGen C4551504, MONDO:0008745, OMIM 203100. Disease mechanism: loss of function.

Allele frequency attached by ClinVar (database versions not stated): gnomAD 0.00001.
gnomAD v4.1: 4 of 1,612,090 alleles (0.00025%); highest among the groups gnomAD compares: South Asian, 0.0044%; no homozygotes.

Submissions (5):

Labcorp Genetics (formerly Invitae), Labcorp
Classification: Pathogenic. Last evaluated: 2025-07-10. Review status: criteria provided, single submitter. Criteria: Invitae Variant Classification Sherloc (09022015). Collection method: clinical testing. Allele origin: germline.
Comment: This sequence change replaces glycine, which is neutral and non-polar, with valine, which is neutral and non-polar, at codon 346 of the TYR protein (p.Gly346Val). This variant is present in population databases (rs773970123, gnomAD 0.007%). This missense change has been observed in individual(s) with ocular albinism (PMID: 16098056, 33800529). In at least one individual the data is consistent with being in trans (on the opposite chromosome) from a pathogenic variant. It has also been observed to segregate with disease in related individuals. ClinVar contains an entry for this variant (Variation ID: 437986). Invitae Evidence Modeling of protein sequence and biophysical properties (such as structural, functional, and spatial information, amino acid conservation, physicochemical variation, residue mobility, and thermodynamic stability) indicates that this missense variant is expected to disrupt TYR protein function with a positive predictive value of 95%. This variant disrupts the p.Gly346 amino acid residue in TYR. Other variant(s) that disrupt this residue have been determined to be pathogenic (PMID: 8026428, 25216246, 28266639, 31077556). This suggests that this residue is clinically significant, and that variants that disrupt this residue are likely to be disease-causing. For these reasons, this variant has been classified as Pathogenic.

Intergen Genetics and Rare Diseases Diagnosis Center
Classification: Pathogenic for Oculocutaneous albinism type 1A. Last evaluated: 2023-09-05. Review status: criteria provided, single submitter. Criteria: ACMG Guidelines, 2015. Collection method: clinical testing. Allele origin: unknown. Inheritance: Autosomal recessive inheritance. Affected: no. Observed: 1 heterozygote.

Baylor Genetics
Classification: Pathogenic for SKIN/HAIR/EYE PIGMENTATION 3, LIGHT/DARK SKIN. Last evaluated: 2023-01-27. Review status: criteria provided, single submitter. Criteria: ACMG Guidelines, 2015. Collection method: clinical testing. Allele origin: unknown.

Blueprint Genetics
Classification: Pathogenic for TYR-related disorders. Last evaluated: 2022-04-26. Review status: criteria provided, single submitter. Criteria: ACMG Guidelines, 2015. Collection method: clinical testing. Allele origin: germline. Affected: yes. Observed: 2 variant alleles.

NIHR Bioresource Rare Diseases, University of Cambridge
Classification: Likely pathogenic for Disorder of eye. Last evaluated: 2015-01-01. Review status: no assertion criteria provided. Collection method: research. Allele origin: unknown. Affected: yes. Observed: 1 variant allele. Not counted in ClinVar's aggregate classification.
Comment: Rare ocular disorder associated to additional undetermined phenotypes

Literature cited by the submitters: PubMed 16098056 (cited by Labcorp Genetics (formerly Invitae), Labcorp and NIHR Bioresource Rare Diseases, University of Cambridge); PubMed 33800529 (cited by Labcorp Genetics (formerly Invitae), Labcorp); PubMed 8026428 (cited by Labcorp Genetics (formerly Invitae), Labcorp); PubMed 25216246 (cited by Labcorp Genetics (formerly Invitae), Labcorp); PubMed 28266639 (cited by Labcorp Genetics (formerly Invitae), Labcorp); PubMed 31077556 (cited by Labcorp Genetics (formerly Invitae), Labcorp); PubMed 28041643 (cited by NIHR Bioresource Rare Diseases, University of Cambridge).

NM_000372.5(TYR):c.1037G>T (p.Gly346Val)

Gene: TYR (tyrosinase; plus strand). Cytogenetic location: 11q14.3.
Variant type: single nucleotide variant.
Coding change: c.1037G>T on transcript NM_000372.5 (MANE Select); coding-DNA position 1037, G replaced by T.
Protein change: p.Gly346Val; replaces glycine 346 with valine.
Molecular consequence: missense variant.
Genome position (GRCh38, 1-based): chr11:89,227,823, G>T. VCF-style: chr11-89227823-G-T. GRCh37 (hg19) VCF-style: chr11-88960991-G-T.
Other names: short protein forms G346V.
Identifiers: ClinVar variation 437986 (VCV000437986.9), dbSNP rs773970123, ClinGen allele CA6221333.